The following is an entry in ClinVar:

ClinVar aggregate classification (germline): Uncertain significance (1 of 4 stars; one submission).

Conditions:
Hereditary cancer-predisposing syndrome. Also called: Tumor predisposition; Hereditary neoplastic syndrome; Neoplastic Syndromes, Hereditary; Hereditary Cancer Syndrome. Identifiers: Orphanet 140162, MedGen C0027672, MeSH D009386, MONDO:0015356.

Submission:

Ambry Genetics
Classification: Uncertain significance for Hereditary cancer-predisposing syndrome. Last evaluated: 2025-05-15. Review status: criteria provided, single submitter. Criteria: Ambry Variant Classification Scheme 2023. Collection method: clinical testing. Allele origin: germline.
Comment: The p.R379S variant (also known as c.1135C>A), located in coding exon 7 of the CTNNA1 gene, results from a C to A substitution at nucleotide position 1135. The arginine at codon 379 is replaced by serine, an amino acid with dissimilar properties. This amino acid position is conserved. In addition, this alteration is predicted to be deleterious by in silico analysis. Based on the available evidence, the clinical significance of this variant remains unclear.

NM_001903.5(CTNNA1):c.1135C>A (p.Arg379Ser)

Gene: CTNNA1 (catenin alpha 1; plus strand). Cytogenetic location: 5q31.2.
Variant type: single nucleotide variant.
Coding change: c.1135C>A on transcript NM_001903.5 (MANE Select); coding-DNA position 1135, C replaced by A.
Protein change: p.Arg379Ser; replaces arginine 379 with serine.
Molecular consequence: missense variant. On other transcripts: 5 prime UTR variant (5), intron variant (2).
Genome position (GRCh38, 1-based): chr5:138,886,284, C>A. VCF-style: chr5-138886284-C-A. GRCh37 (hg19) VCF-style: chr5-138221973-C-A.
Other names: c.1135C>A, p.Arg379Ser (NM_001323985.2, NM_001323986.2, NM_001290307.3 and 3 more transcripts); c.25C>A, p.Arg9Ser (NM_001323987.1, NM_001323988.1, NM_001323989.1 and 18 more transcripts); c.826C>A, p.Arg276Ser (NM_001290309.3); c.766C>A, p.Arg256Ser (NM_001290310.3); c.-373C>A (NM_001324006.1, NM_001324007.1, NM_001324008.1 and 1 more transcripts); c.-248C>A (NM_001324013.1); c.-58+10687C>A (NM_001324012.1); c.-61+10687C>A (NM_001324010.1); short protein forms R9S, R256S, R276S, R379S.
Identifiers: ClinVar variation 4007952 (VCV004007952.1).
Genomic context (GRCh38, chr5:138,886,284, plus strand): 5'-GAAAGAAGTGATGCACTCAATTCTGCAATAGATAAAATGACCAAGAAGACCAGGGACTTG[C>A]GTAGACAGGTAATCTGGATGAAAGTGCTGATTGTTTTTCTAAGTTCTCAATTTTGTAGTT-3'
Protein context (NP_001894.2, residues 369-389): DKMTKKTRDL[Arg379Ser]RQLRKAVMDH